The following is an entry in ClinVar:

ClinVar aggregate classification (germline): Uncertain significance (0 of 4 stars; one submission).

Conditions:
TMEM67-related disorder. Also called: TMEM67-related condition; TMEM67-related disorders. Identifiers: MedGen CN239423.

Submission:

PreventionGenetics, part of Exact Sciences
Classification: Uncertain significance for TMEM67-related condition. Last evaluated: 2024-07-17. Review status: no assertion criteria provided. Collection method: clinical testing. Allele origin: germline.
Comment: The TMEM67 c.2623C>G variant is predicted to result in the amino acid substitution p.His875Asp. To our knowledge, this variant has not been reported in the literature or in a large population database, indicating this variant is rare. At this time, the clinical significance of this variant is uncertain due to the absence of conclusive functional and genetic evidence.

NM_153704.6(TMEM67):c.2623C>G (p.His875Asp)

Gene: TMEM67 (transmembrane protein 67; plus strand). Cytogenetic location: 8q22.1.
Variant type: single nucleotide variant.
Coding change: c.2623C>G on transcript NM_153704.6 (MANE Select); coding-DNA position 2623, C replaced by G.
Protein change: p.His875Asp; replaces histidine 875 with aspartic acid.
Molecular consequence: missense variant. On other transcripts: non-coding transcript variant (1).
Genome position (GRCh38, 1-based): chr8:93,809,123, C>G. VCF-style: chr8-93809123-C-G. GRCh37 (hg19) VCF-style: chr8-94821351-C-G.
Other names: c.2380C>G, p.His794Asp (NM_001142301.1); short protein forms H794D, H875D.
Identifiers: ClinVar variation 3347738 (VCV003347738.1).
Genomic context (GRCh38, chr8:93,809,123, plus strand): 5'-GGTCCTGCTAGACTACTGAGTTCATCAGCAAGTACTTTTGAGCAGAGTATAAAAGCATAT[C>G]ATATGATGAATAAATTTCTTGGCTCCTTCATTGACCATGTATGTATGTCAACATTTATAT-3'
Protein context (NP_714915.3, residues 865-885): STFEQSIKAY[His875Asp]MMNKFLGSFI